The following is an entry in ClinVar:

ClinVar aggregate classification (germline): Uncertain significance. Review status: criteria provided, multiple submitters, no conflicts (2 of 4 stars). 3 submissions from 3 submitters: Uncertain significance (3). Last evaluated 2025-12-29.

Conditions:
Birt-Hogg-Dube syndrome. Also called: Birt Hogg Dubé syndrome. Identifiers: Orphanet 122, MedGen C0346010, MONDO:0800444.
17p11.2 microduplication syndrome (PTLS). Also called: CHROMOSOME 17p11.2 DUPLICATION SYNDROME; Potocki-Lupski syndrome; Duplication 17p11.2 syndrome; Potocki-Lupski syndrome (dup(17)(p11.2p11.2)). Identifiers: Orphanet 1713, MedGen C2931246, MONDO:0012574, OMIM 610883.
Nonpapillary renal cell carcinoma. Identifiers: Orphanet 422526, MedGen CN074294, MONDO:0007763, OMIM 144700.
Familial spontaneous pneumothorax (PSP). Identifiers: Orphanet 2903, MedGen C1868193, MONDO:0008259, OMIM 173600.
Colorectal cancer. Also called: Colorectal cancer, somatic; Malignant Colorectal Neoplasm. Identifiers: MedGen C0346629, MONDO:0005575, OMIM 114500.
Hereditary cancer-predisposing syndrome. Also called: Hereditary Cancer Syndrome; Tumor predisposition; Neoplastic Syndromes, Hereditary; Hereditary neoplastic syndrome. Identifiers: Orphanet 140162, MedGen C0027672, MeSH D009386, MONDO:0015356.

Submissions (3):

Labcorp Genetics (formerly Invitae), Labcorp
Classification: Uncertain significance for Birt-Hogg-Dube syndrome. Last evaluated: 2025-12-29. Review status: criteria provided, single submitter. Criteria: Invitae Variant Classification Sherloc (09022015). Collection method: clinical testing. Allele origin: germline.
Comment: This sequence change replaces proline, which is neutral and non-polar, with serine, which is neutral and polar, at codon 451 of the FLCN protein (p.Pro451Ser). This variant is not present in population databases (gnomAD no frequency). This variant has not been reported in the literature in individuals affected with FLCN-related conditions. ClinVar contains an entry for this variant (Variation ID: 853977). Invitae Evidence Modeling of protein sequence and biophysical properties (such as structural, functional, and spatial information, amino acid conservation, physicochemical variation, residue mobility, and thermodynamic stability) indicates that this missense variant is not expected to disrupt FLCN protein function with a negative predictive value of 80%. In summary, the available evidence is currently insufficient to determine the role of this variant in disease. Therefore, it has been classified as a Variant of Uncertain Significance.

Ambry Genetics
Classification: Uncertain significance for Hereditary cancer-predisposing syndrome. Last evaluated: 2025-12-19. Review status: criteria provided, single submitter. Criteria: Ambry Variant Classification Scheme 2023. Collection method: clinical testing. Allele origin: germline.
Comment: The p.P451S variant (also known as c.1351C>T), located in coding exon 9 of the FLCN gene, results from a C to T substitution at nucleotide position 1351. The proline at codon 451 is replaced by serine, an amino acid with similar properties. This amino acid position is conserved. In addition, this alteration is predicted to be tolerated by in silico analysis. Based on the available evidence, the clinical significance of this variant remains unclear.

Fulgent Genetics
Classification: Uncertain significance for Colorectal cancer; Birt-Hogg-Dube syndrome 1; Nonpapillary renal cell carcinoma; Familial spontaneous pneumothorax; 17p11.2 microduplication syndrome. Last evaluated: 2022-03-02. Review status: criteria provided, single submitter. Criteria: ACMG Guidelines, 2015. Collection method: clinical testing. Allele origin: unknown.

NM_144997.7(FLCN):c.1351C>T (p.Pro451Ser)

Gene: FLCN (folliculin; minus strand). Cytogenetic location: 17p11.2.
Variant type: single nucleotide variant.
Coding change: c.1351C>T on transcript NM_144997.7 (MANE Select); coding-DNA position 1351, C replaced by T.
Protein change: p.Pro451Ser; replaces proline 451 with serine.
Molecular consequence: missense variant.
Genome position (GRCh38, 1-based): chr17:17,215,266, G>A on the plus strand (C>T on the coding strand, the complement: FLCN is on the minus strand). VCF-style: chr17-17215266-G-A. GRCh37 (hg19) VCF-style: chr17-17118580-G-A.
Other names: c.1405C>T, p.Pro469Ser (NM_001353229.2); c.1351C>T, p.Pro451Ser (NM_001353230.2, NM_001353231.2); short protein forms P451S, P469S.
Identifiers: ClinVar variation 853977 (VCV000853977.11), dbSNP rs2046880742, ClinGen allele CA398531386.
Genomic context (GRCh38, chr17:17,215,266, plus strand): 5'-TCCCACTGGTCACCACAAACTCGTACTTGCTGAGAGACTGGTCATCCTCACACCCCACAG[G>A]GTGGAGGGTGGAACGTGCGGCTGCGTGGACCTCCACGATGACAGCAAACTCTGTAACAAC-3'
Protein context (NP_659434.2, residues 441-461): VHAAARSTLH[Pro451Ser]VGCEDDQSLS